The following is an entry in ClinVar:

NM_004946.3(DOCK2):c.70G>C (p.Ala24Pro)

Gene: DOCK2 (dedicator of cytokinesis 2; plus strand). Cytogenetic location: 5q35.1.
Variant type: single nucleotide variant.
Coding change: c.70G>C on transcript NM_004946.3 (MANE Select); coding-DNA position 70, G replaced by C.
Protein change: p.Ala24Pro; replaces alanine 24 with proline.
Molecular consequence: missense variant. On other transcripts: non-coding transcript variant (1).
Genome position (GRCh38, 1-based): chr5:169,654,429, G>C. VCF-style: chr5-169654429-G-C. GRCh37 (hg19) VCF-style: chr5-169081433-G-C.
Other names: short protein forms A24P.
Identifiers: ClinVar variation 945145 (VCV000945145.7), dbSNP rs776586113, ClinGen allele CA3553027.

ClinVar aggregate classification (germline): Uncertain significance. Review status: criteria provided, multiple submitters, no conflicts (2 of 4 stars). 2 submissions from 2 submitters: Uncertain significance (2). Last evaluated 2024-09-10.

Conditions:
DOCK2 deficiency. Also called: Immunodeficiency 40. Identifiers: Orphanet 447737, MedGen C4225328, MONDO:0014637, OMIM 616433.
Inborn genetic diseases. Identifiers: MedGen C0950123, MeSH D030342.

Allele frequency attached by ClinVar (database versions not stated): ExAC 0.00001; gnomAD exomes 0.00001 and 0.00004; gnomAD 0.00003; TOPMed 0.00003.
gnomAD v4.1: 62 of 1,614,024 alleles (0.0038%); highest among the groups gnomAD compares: Non-Finnish European, 0.0047%; no homozygotes.

Submissions (2):

Ambry Genetics
Classification: Uncertain significance for Inborn genetic diseases. Last evaluated: 2024-09-10. Review status: criteria provided, single submitter. Criteria: Ambry Variant Classification Scheme 2023. Collection method: clinical testing. Allele origin: germline.

Labcorp Genetics (formerly Invitae), Labcorp
Classification: Uncertain significance for DOCK2 deficiency. Last evaluated: 2024-04-25. Review status: criteria provided, single submitter. Criteria: Invitae Variant Classification Sherloc (09022015). Collection method: clinical testing. Allele origin: germline.
Comment: This sequence change replaces alanine, which is neutral and non-polar, with proline, which is neutral and non-polar, at codon 24 of the DOCK2 protein (p.Ala24Pro). This variant is present in population databases (rs776586113, gnomAD 0.0009%). This variant has not been reported in the literature in individuals affected with DOCK2-related conditions. ClinVar contains an entry for this variant (Variation ID: 945145). Algorithms developed to predict the effect of missense changes on protein structure and function output the following: SIFT: "Not Available"; PolyPhen-2: "Benign"; Align-GVGD: "Not Available". The proline amino acid residue is found in multiple mammalian species, which suggests that this missense change does not adversely affect protein function. In summary, the available evidence is currently insufficient to determine the role of this variant in disease. Therefore, it has been classified as a Variant of Uncertain Significance.